The following is an entry in ClinVar:

NM_001039141.3(TRIOBP):c.1727_1795del (p.Arg576_Pro598del)

Gene: TRIOBP (TRIO and F-actin binding protein; plus strand). Cytogenetic location: 22q13.1.
Variant type: Deletion.
Coding change: c.1727_1795del on transcript NM_001039141.3 (MANE Select); coding-DNA positions 1727 to 1795, 69 bases deleted.
Protein change: p.Arg576_Pro598del.
Molecular consequence: inframe deletion.
Genome position (GRCh38, 1-based): chr22:37,724,283-37,724,351, 69 bases deleted. GRCh37 (hg19): chr22:38,120,290-38,120,358.
Identifiers: ClinVar variation 2185397 (VCV002185397.1), dbSNP rs2518173310, ClinGen allele CA10223652.

ClinVar aggregate classification (germline): Uncertain significance (1 of 4 stars; one submission).

Submission:

Labcorp Genetics (formerly Invitae), Labcorp
Classification: Uncertain significance. Last evaluated: 2022-03-13. Review status: criteria provided, single submitter. Criteria: Invitae Variant Classification Sherloc (09022015). Collection method: clinical testing. Allele origin: germline.
Comment: This variant, c.1727_1795del, results in the deletion of 23 amino acid(s) of the TRIOBP protein (p.Arg576_Pro598del), but otherwise preserves the integrity of the reading frame. The frequency data for this variant in the population databases is considered unreliable, as metrics indicate poor data quality at this position in the gnomAD database. This variant has not been reported in the literature in individuals affected with TRIOBP-related conditions. Experimental studies and prediction algorithms are not available or were not evaluated, and the functional significance of this variant is currently unknown. In summary, the available evidence is currently insufficient to determine the role of this variant in disease. Therefore, it has been classified as a Variant of Uncertain Significance.